The following is an entry in ClinVar:

NM_000038.6(APC):c.2341C>G (p.Pro781Ala)

Gene: APC (APC regulator of Wnt signaling pathway; plus strand). Cytogenetic location: 5q22.2.
Variant type: single nucleotide variant.
Coding change: c.2341C>G on transcript NM_000038.6 (MANE Select); coding-DNA position 2341, C replaced by G.
Protein change: p.Pro781Ala; replaces proline 781 with alanine.
Molecular consequence: missense variant. On other transcripts: non-coding transcript variant (2).
Genome position (GRCh38, 1-based): chr5:112,837,935, C>G. VCF-style: chr5-112837935-C-G. GRCh37 (hg19) VCF-style: chr5-112173632-C-G.
Other names: c.2341C>G, p.Pro781Ala (NM_001127510.3, NM_001354895.2, NM_001407450.1); c.2287C>G, p.Pro763Ala (NM_001127511.3); c.2395C>G, p.Pro799Ala (NM_001354896.2, NM_001407447.1, NM_001407448.1 and 1 more transcripts); c.2371C>G, p.Pro791Ala (NM_001354897.2); c.2266C>G, p.Pro756Ala (NM_001354898.2); c.2257C>G, p.Pro753Ala (NM_001354899.2); c.2218C>G, p.Pro740Ala (NM_001354900.2); c.2164C>G, p.Pro722Ala (NM_001354901.2, NM_001407453.1); and 11 more; short protein forms P397A, P621A, P655A, P680A, P756A, P763A, P809A, P498A.
Identifiers: ClinVar variation 3635424 (VCV003635424.2).
Genomic context (GRCh38, chr5:112,837,935, plus strand): 5'-GAAGCAGAATTAGATGCTCAGCACTTATCAGAAACTTTTGACAATATAGACAATTTAAGT[C>G]CCAAGGCATCTCATCGTAGTAAGCAGAGACACAAGCAAAGTCTCTATGGTGATTATGTTT-3'
Protein context (NP_000029.2, residues 771-791): ETFDNIDNLS[Pro781Ala]KASHRSKQRH

ClinVar aggregate classification (germline): Uncertain significance (1 of 4 stars; one submission).

Conditions:
Familial adenomatous polyposis 1 (FAP1). Also called: FAMILIAL ADENOMATOUS POLYPOSIS 1, ATTENUATED; POLYPOSIS, ADENOMATOUS INTESTINAL. Identifiers: MedGen C2713442, MONDO:0021056, OMIM 175100. Disease mechanism: loss of function.

Submission:

Labcorp Genetics (formerly Invitae), Labcorp
Classification: Uncertain significance for Familial adenomatous polyposis 1. Last evaluated: 2024-04-10. Review status: criteria provided, single submitter. Criteria: Invitae Variant Classification Sherloc (09022015). Collection method: clinical testing. Allele origin: germline.
Comment: This sequence change replaces proline, which is neutral and non-polar, with alanine, which is neutral and non-polar, at codon 781 of the APC protein (p.Pro781Ala). This variant is not present in population databases (gnomAD no frequency). This variant has not been reported in the literature in individuals affected with APC-related conditions. Advanced modeling of protein sequence and biophysical properties (such as structural, functional, and spatial information, amino acid conservation, physicochemical variation, residue mobility, and thermodynamic stability) performed at Invitae indicates that this missense variant is not expected to disrupt APC protein function with a negative predictive value of 95%. In summary, the available evidence is currently insufficient to determine the role of this variant in disease. Therefore, it has been classified as a Variant of Uncertain Significance.